The following is an entry in ClinVar:

ClinVar aggregate classification (germline): Uncertain significance. Review status: criteria provided, multiple submitters, no conflicts (2 of 4 stars). 3 submissions from 3 submitters: Uncertain significance (3). Last evaluated 2025-04-07.

Conditions:
Inborn genetic diseases. Identifiers: MedGen C0950123, MeSH D030342.

Allele frequency attached by ClinVar (database versions not stated): gnomAD 0.00002; TOPMed 0.00002.

Submissions (3):

Labcorp Genetics (formerly Invitae), Labcorp
Classification: Uncertain significance. Last evaluated: 2025-04-07. Review status: criteria provided, single submitter. Criteria: Invitae Variant Classification Sherloc (09022015). Collection method: clinical testing. Allele origin: germline.
Comment: This sequence change replaces arginine, which is basic and polar, with tryptophan, which is neutral and slightly polar, at codon 864 of the RBP3 protein (p.Arg864Trp). The frequency data for this variant in the population databases is considered unreliable, as metrics indicate poor data quality at this position in the gnomAD database. This variant has not been reported in the literature in individuals affected with RBP3-related conditions. ClinVar contains an entry for this variant (Variation ID: 1037442). An algorithm developed to predict the effect of missense changes on protein structure and function (PolyPhen-2) suggests that this variant is likely to be disruptive. In summary, the available evidence is currently insufficient to determine the role of this variant in disease. Therefore, it has been classified as a Variant of Uncertain Significance.

Ambry Genetics
Classification: Uncertain significance for Inborn genetic diseases. Last evaluated: 2024-09-11. Review status: criteria provided, single submitter. Criteria: Ambry Variant Classification Scheme 2023. Collection method: clinical testing. Allele origin: germline.

Blueprint Genetics
Classification: Uncertain significance. Last evaluated: 2022-11-04. Review status: criteria provided, single submitter. Criteria: ACMG Guidelines, 2015. Collection method: clinical testing. Allele origin: germline.

NM_002900.3(RBP3):c.2590C>T (p.Arg864Trp)

Gene: RBP3 (retinol binding protein 3; plus strand). Cytogenetic location: 10q11.22.
Variant type: single nucleotide variant.
Coding change: c.2590C>T on transcript NM_002900.3 (MANE Select); coding-DNA position 2590, C replaced by T.
Protein change: p.Arg864Trp; replaces arginine 864 with tryptophan.
Molecular consequence: missense variant.
Genome position (GRCh38, 1-based): chr10:47,351,074, C>T. VCF-style: chr10-47351074-C-T. GRCh37 (hg19) VCF-style: chr10-48388288-G-A.
Other names: c.2590C>T (NM_002900.2); short protein forms R864W.
Identifiers: ClinVar variation 1037442 (VCV001037442.8), dbSNP rs781806123, ClinGen allele CA5487244.